The following is an entry in ClinVar:

ClinVar aggregate classification (germline): Uncertain significance (1 of 4 stars; one submission).

Conditions:
Hereditary cancer-predisposing syndrome. Also called: Neoplastic Syndromes, Hereditary; Hereditary Cancer Syndrome; Tumor predisposition; Hereditary neoplastic syndrome. Identifiers: Orphanet 140162, MedGen C0027672, MeSH D009386, MONDO:0015356.

Submission:

Ambry Genetics
Classification: Uncertain significance for Hereditary cancer-predisposing syndrome. Last evaluated: 2025-03-06. Review status: criteria provided, single submitter. Criteria: Ambry Variant Classification Scheme 2023. Collection method: clinical testing. Allele origin: germline.
Comment: The c.237G>T variant (also known as p.K79N), located in coding exon 4 of the SMARCE1 gene, results from a G to T substitution at nucleotide position 237. The amino acid change results in lysine to asparagine at codon 79, an amino acid with similar properties. This amino acid position is highly conserved in available vertebrate species. In addition, the in silico prediction for this alteration is inconclusive. However, this change occurs in the last base pair of coding exon 4, which makes it likely to have some effect on normal mRNA splicing. This nucleotide position is highly conserved in available vertebrate species. In silico splice site analysis predicts that this alteration will weaken the native splice donor site and may result in the creation or strengthening of a novel splice donor site. RNA studies have demonstrated that this alteration results in a splice defect; the clinical impact of this abnormal splicing is unknown at this time (Ambry internal data). Based on the available evidence, the clinical significance of this variant remains unclear.

NM_003079.5(SMARCE1):c.237G>T (p.Lys79Asn)

Gene: SMARCE1 (SWI/SNF related BAF chromatin remodeling complex subunit E1; minus strand). Cytogenetic location: 17q21.2.
Variant type: single nucleotide variant.
Coding change: c.237G>T on transcript NM_003079.5 (MANE Select); coding-DNA position 237, G replaced by T.
Protein change: p.Lys79Asn; replaces lysine 79 with asparagine.
Molecular consequence: missense variant.
Genome position (GRCh38, 1-based): chr17:40,637,492, C>A on the plus strand (G>T on the coding strand, the complement: SMARCE1 is on the minus strand). VCF-style: chr17-40637492-C-A. GRCh37 (hg19) VCF-style: chr17-38793744-C-A.
Other names: short protein forms K79N.
Identifiers: ClinVar variation 3799023 (VCV003799023.1).
Genomic context (GRCh38, chr17:40,637,492, plus strand): 5'-GTTAAGCAAAGAAGCAGCAAAGACAGTGTCCTCACTCCTTACCAGGTCCTAAGCACCTAC[C>A]TTTCTGCTGTACCTCATGTAGGGCATCAGCGGCTTATCTGGTGGCTTTGGGGGTTTTGGA-3'
Protein context (NP_003070.3, residues 69-89): PLMPYMRYSR[Lys79Asn]VWDQVKASNP